The following is an entry in ClinVar:

NM_005732.4(RAD50):c.790A>C (p.Lys264Gln)

Gene: RAD50 (RAD50 double strand break repair protein; plus strand). Cytogenetic location: 5q31.1.
Variant type: single nucleotide variant.
Coding change: c.790A>C on transcript NM_005732.4 (MANE Select); coding-DNA position 790, A replaced by C.
Protein change: p.Lys264Gln; replaces lysine 264 with glutamine.
Molecular consequence: missense variant.
Genome position (GRCh38, 1-based): chr5:132,587,595, A>C. VCF-style: chr5-132587595-A-C. GRCh37 (hg19) VCF-style: chr5-131923287-A-C.
Other names: short protein forms K264Q.
Identifiers: ClinVar variation 4826863 (VCV004826863.1).

ClinVar aggregate classification (germline): Uncertain significance (1 of 4 stars; one submission).

Conditions:
Hereditary cancer-predisposing syndrome. Also called: Neoplastic Syndromes, Hereditary; Tumor predisposition; Hereditary Cancer Syndrome; Hereditary neoplastic syndrome. Identifiers: Orphanet 140162, MedGen C0027672, MeSH D009386, MONDO:0015356.

Submission:

Ambry Genetics
Classification: Uncertain significance for Hereditary cancer-predisposing syndrome. Last evaluated: 2026-03-09. Review status: criteria provided, single submitter. Criteria: Ambry Variant Classification Scheme 2023. Collection method: clinical testing. Allele origin: germline.
Comment: The p.K264Q variant (also known as c.790A>C), located in coding exon 6 of the RAD50 gene, results from an A to C substitution at nucleotide position 790. The lysine at codon 264 is replaced by glutamine, an amino acid with similar properties. This amino acid position is conserved. In addition, this alteration is predicted to be tolerated by in silico analysis. Based on the available evidence, the clinical significance of this variant remains unclear.